The following is an entry in ClinVar:

NM_006031.6(PCNT):c.7635G>A (p.Ala2545=)

Gene: PCNT (pericentrin; plus strand). Cytogenetic location: 21q22.3.
Variant type: single nucleotide variant.
Coding change: c.7635G>A on transcript NM_006031.6 (MANE Select); coding-DNA position 7635, G replaced by A.
Protein change: p.Ala2545=; no amino-acid change (alanine 2545 retained).
Molecular consequence: synonymous variant.
Genome position (GRCh38, 1-based): chr21:46,428,535, G>A. VCF-style: chr21-46428535-G-A. GRCh37 (hg19) VCF-style: chr21-47848449-G-A.
Other names: c.7635G>A (NM_006031.5); c.7281G>A, p.Ala2427= (NM_001315529.2).
Identifiers: ClinVar variation 2893235 (VCV002893235.6), dbSNP rs559849032, ClinGen allele CA10080729.

ClinVar aggregate classification (germline): Likely benign. Review status: criteria provided, multiple submitters, no conflicts (2 of 4 stars). 3 submissions from 3 submitters: Likely benign (2). 1 of the submissions does not count toward it. Last evaluated 2025-02-22.

Conditions:
PCNT-related disorder. Also called: PCNT-related condition.

Allele frequency attached by ClinVar (database versions not stated): gnomAD exomes 0.00008; ExAC 0.00011; 1000 Genomes Project 30x 0.00016; 1000 Genomes Project 0.00020.
gnomAD v4.1: 114 of 1,610,102 alleles (0.0071%); highest among the groups gnomAD compares: South Asian, 0.079%; 1 homozygote.

Submissions (3):

Labcorp Genetics (formerly Invitae), Labcorp
Classification: Likely benign. Last evaluated: 2025-02-22. Review status: criteria provided, single submitter. Criteria: Invitae Variant Classification Sherloc (09022015). Collection method: clinical testing. Allele origin: germline.

Blueprint Genetics
Classification: Likely benign. Last evaluated: 2024-06-21. Review status: criteria provided, single submitter. Criteria: ACMG Guidelines, 2015. Collection method: clinical testing. Allele origin: germline.

PreventionGenetics, part of Exact Sciences
Classification: Likely benign for PCNT-related condition. Last evaluated: 2021-07-13. Review status: no assertion criteria provided. Collection method: clinical testing. Allele origin: germline. Not counted in ClinVar's aggregate classification.
Comment: This variant is classified as likely benign based on ACMG/AMP sequence variant interpretation guidelines (Richards et al. 2015 PMID: 25741868, with internal and published modifications).